The following is an entry in ClinVar:

NM_002439.5(MSH3):c.307A>G (p.Lys103Glu)

Gene: MSH3 (mutS homolog 3; plus strand). Cytogenetic location: 5q14.1.
Variant type: single nucleotide variant.
Coding change: c.307A>G on transcript NM_002439.5 (MANE Select); coding-DNA position 307, A replaced by G.
Protein change: p.Lys103Glu; replaces lysine 103 with glutamic acid.
Molecular consequence: missense variant.
Genome position (GRCh38, 1-based): chr5:80,656,480, A>G. VCF-style: chr5-80656480-A-G. GRCh37 (hg19) VCF-style: chr5-79952299-A-G.
Other names: short protein forms K103E.
Identifiers: ClinVar variation 648193 (VCV000648193.15), dbSNP rs759128700, ClinGen allele CA3327560.

ClinVar aggregate classification (germline): Uncertain significance. Review status: criteria provided, multiple submitters, no conflicts (2 of 4 stars). 4 submissions from 4 submitters: Uncertain significance (4). Last evaluated 2026-01-27.

Conditions:
Hereditary cancer-predisposing syndrome. Also called: Neoplastic Syndromes, Hereditary; Tumor predisposition; Hereditary Cancer Syndrome; Hereditary neoplastic syndrome. Identifiers: Orphanet 140162, MedGen C0027672, MeSH D009386, MONDO:0015356.

Allele frequency attached by ClinVar (database versions not stated): gnomAD 0.00001; gnomAD exomes 0.00001; ExAC 0.00002; TOPMed 0.00002.
gnomAD v4.1: 11 of 1,614,106 alleles (0.00068%); highest among the groups gnomAD compares: Middle Eastern, 0.049%; no homozygotes.

Submissions (4):

Labcorp Genetics (formerly Invitae), Labcorp
Classification: Uncertain significance. Last evaluated: 2026-01-27. Review status: criteria provided, single submitter. Criteria: Invitae Variant Classification Sherloc (09022015). Collection method: clinical testing. Allele origin: germline.
Comment: This sequence change replaces lysine, which is basic and polar, with glutamic acid, which is acidic and polar, at codon 103 of the MSH3 protein (p.Lys103Glu). This variant is present in population databases (rs759128700, gnomAD 0.01%). This variant has not been reported in the literature in individuals affected with MSH3-related conditions. ClinVar contains an entry for this variant (Variation ID: 648193). An algorithm developed to predict the effect of missense changes on protein structure and function outputs the following: PolyPhen-2: "Benign". The glutamic acid amino acid residue is found in multiple mammalian species, which suggests that this missense change does not adversely affect protein function. In summary, the available evidence is currently insufficient to determine the role of this variant in disease. Therefore, it has been classified as a Variant of Uncertain Significance.

Ambry Genetics
Classification: Uncertain significance for Hereditary cancer-predisposing syndrome. Last evaluated: 2025-04-21. Review status: criteria provided, single submitter. Criteria: Ambry Variant Classification Scheme 2023. Collection method: clinical testing. Allele origin: germline.
Comment: The p.K103E variant (also known as c.307A>G), located in coding exon 2 of the MSH3 gene, results from an A to G substitution at nucleotide position 307. The lysine at codon 103 is replaced by glutamic acid, an amino acid with similar properties. This amino acid position is not well conserved in available vertebrate species. In addition, this alteration is predicted to be tolerated by in silico analysis. Since supporting evidence is limited at this time, the clinical significance of this alteration remains unclear.

GeneDx
Classification: Uncertain significance. Last evaluated: 2025-04-21. Review status: criteria provided, single submitter. Criteria: GeneDx Variant Classification Process June 2021. Collection method: clinical testing. Allele origin: germline. Affected: yes.
Comment: Not observed at significant frequency in large population cohorts (gnomAD); In silico analysis indicates that this missense variant does not alter protein structure/function; Has not been previously published as pathogenic or benign to our knowledge

Center for Genomic Medicine, Rigshospitalet, Copenhagen University Hospital
Classification: Uncertain significance. Last evaluated: 2025-03-04. Review status: criteria provided, single submitter. Criteria: ACMG Guidelines, 2015. Collection method: clinical testing. Allele origin: germline.